The following is an entry in ClinVar:

ClinVar aggregate classification (germline): Likely pathogenic (1 of 4 stars; one submission).

Submission:

Dasa
Classification: Likely pathogenic. Last evaluated: 2025-01-28. Review status: criteria provided, single submitter. Criteria: DASA Assertion Criteria. Collection method: clinical testing. Allele origin: germline.
Comment: NM_005883.3(APC2):c.1853+1G>A affects a canonical splice site and is predicted to disrupt normal RNA splicing. Loss of function is an established disease mechanism for APC2-associated disorders. Also, this variant is absent from population databases. Based on the currently available evidence, this variant is classified as likely pathogenic.

NM_005883.3(APC2):c.1853+1G>A

Gene: APC2 (APC regulator of Wnt signaling pathway 2; plus strand). Cytogenetic location: 19p13.3.
Variant type: single nucleotide variant.
Coding change: c.1853+1G>A on transcript NM_005883.3 (MANE Select); the canonical splice donor site of the intron after coding-DNA position 1853, G replaced by A.
Molecular consequence: splice donor variant.
Genome position (GRCh38, 1-based): chr19:1,462,178, G>A. VCF-style: chr19-1462178-G-A. GRCh37 (hg19) VCF-style: chr19-1462177-G-A.
Other names: c.1850+1G>A (NM_001351273.1).
Identifiers: ClinVar variation 4886455 (VCV004886455.2).
Genomic context (GRCh38, chr19:1,462,178, plus strand): 5'-GAGCGGCGGCGGCATCCTCCGCAATGTGTCCAGCCTCGTCGCCACCCGTGAGGACTACAG[G>A]TCGGCCCCCACCCCCCCACCCGCACACAGGCAGCTGCGCTCGGGGCGGGCACAGGGCTGG-3'